The following is an entry in ClinVar:

ClinVar aggregate classification (germline): Conflicting classifications of pathogenicity. Review status: criteria provided, conflicting classifications (1 of 4 stars). 2 submissions from 2 submitters: Uncertain significance (1); Likely benign (1). Last evaluated 2026-05-01.

Conditions:
Hereditary cancer-predisposing syndrome. Also called: Tumor predisposition; Hereditary Cancer Syndrome; Hereditary neoplastic syndrome; Neoplastic Syndromes, Hereditary. Identifiers: Orphanet 140162, MedGen C0027672, MeSH D009386, MONDO:0015356.
Ataxia-telangiectasia syndrome (AT). Also called: Ataxia-telangiectasia; Ataxia-telangiectasia, complementation group E; Ataxia telangiectasia (A-T); LOUIS-BAR SYNDROME; Cerebello-oculocutaneous telangiectasia; Immunodeficiency with ataxia telangiectasia. Identifiers: Orphanet 100, MedGen C0004135, MONDO:0008840, OMIM 208900.

Submissions (2):

Ambry Genetics
Classification: Likely benign for Hereditary cancer-predisposing syndrome. Last evaluated: 2026-05-01. Review status: criteria provided, single submitter. Criteria: Ambry Variant Classification Scheme 2023. Collection method: clinical testing. Allele origin: germline.

Labcorp Genetics (formerly Invitae), Labcorp
Classification: Uncertain significance for Ataxia-telangiectasia syndrome. Last evaluated: 2021-11-24. Review status: criteria provided, single submitter. Criteria: Invitae Variant Classification Sherloc (09022015). Collection method: clinical testing. Allele origin: germline.
Comment: In summary, the available evidence is currently insufficient to determine the role of this variant in disease. Therefore, it has been classified as a Variant of Uncertain Significance. Advanced modeling of protein sequence and biophysical properties (such as structural, functional, and spatial information, amino acid conservation, physicochemical variation, residue mobility, and thermodynamic stability) performed at Invitae indicates that this missense variant is not expected to disrupt ATM protein function. This variant has not been reported in the literature in individuals affected with ATM-related conditions. This variant is not present in population databases (gnomAD no frequency). This sequence change replaces arginine, which is basic and polar, with lysine, which is basic and polar, at codon 1779 of the ATM protein (p.Arg1779Lys).

NM_000051.4(ATM):c.5336G>A (p.Arg1779Lys)

Gene: ATM (ATM serine/threonine kinase; plus strand). Cytogenetic location: 11q22.3.
Variant type: single nucleotide variant.
Coding change: c.5336G>A on transcript NM_000051.4 (MANE Select); coding-DNA position 5336, G replaced by A.
Protein change: p.Arg1779Lys; replaces arginine 1779 with lysine.
Molecular consequence: missense variant.
Genome position (GRCh38, 1-based): chr11:108,302,869, G>A. VCF-style: chr11-108302869-G-A. GRCh37 (hg19) VCF-style: chr11-108173596-G-A.
Other names: c.5336G>A, p.Arg1779Lys (NM_001351834.2); short protein forms R1779K.
Identifiers: ClinVar variation 2134679 (VCV002134679.5), dbSNP rs2135927210, ClinGen allele CA382543113.